The following is an entry in ClinVar:

NM_000479.5(AMH):c.665-7A>G

Gene: AMH (anti-Mullerian hormone; plus strand). Cytogenetic location: 19p13.3.
Variant type: single nucleotide variant.
Coding change: c.665-7A>G on transcript NM_000479.5 (MANE Select); 7 bases into the intron before coding-DNA position 665, A replaced by G.
Molecular consequence: intron variant.
Genome position (GRCh38, 1-based): chr19:2,250,842, A>G. VCF-style: chr19-2250842-A-G. GRCh37 (hg19) VCF-style: chr19-2250841-A-G.
Identifiers: ClinVar variation 3358496 (VCV003358496.1).

ClinVar aggregate classification (germline): Likely benign (0 of 4 stars; one submission).

Conditions:
AMH-related disorder. Also called: AMH-related condition.

Submission:

PreventionGenetics, part of Exact Sciences
Classification: Likely benign for AMH-related condition. Last evaluated: 2024-09-13. Review status: no assertion criteria provided. Collection method: clinical testing. Allele origin: germline.
Comment: This variant is classified as likely benign based on ACMG/AMP sequence variant interpretation guidelines (Richards et al. 2015 PMID: 25741868, with internal and published modifications).